The following is an entry in ClinVar:

NM_001083619.3(GRIA2):c.2308G>A (p.Ala770Thr)

Gene: GRIA2 (glutamate ionotropic receptor AMPA type subunit 2; plus strand). Cytogenetic location: 4q32.1.
Variant type: single nucleotide variant.
Coding change: c.2308G>A on transcript NM_001083619.3 (MANE Select); coding-DNA position 2308, G replaced by A.
Protein change: p.Ala770Thr; replaces alanine 770 with threonine.
Molecular consequence: missense variant. On other transcripts: intron variant (3).
Genome position (GRCh38, 1-based): chr4:157,361,026, G>A. VCF-style: chr4-157361026-G-A. GRCh37 (hg19) VCF-style: chr4-158282178-G-A.
Other names: c.2167G>A, p.Ala723Thr (NM_001379000.3); c.2151-512G>A (NM_001379001.3, NM_001083620.3); c.2292-512G>A (NM_000826.6); short protein forms A723T, A770T.
Identifiers: ClinVar variation 4886649 (VCV004886649.2).

ClinVar aggregate classification (germline): Uncertain significance (1 of 4 stars; one submission).

gnomAD v4.1: 1 of 1,610,990 alleles (0.000062%); highest among the groups gnomAD compares: Non-Finnish European, 0.000085%; no homozygotes.

Submission:

Dasa
Classification: Uncertain significance. Last evaluated: 2024-08-27. Review status: criteria provided, single submitter. Criteria: DASA Assertion Criteria. Collection method: clinical testing. Allele origin: germline.
Comment: NM_001083619.3(GRIA2):c.2308G>A (p.Ala770Thr) is a missense variant that results in the substitution of alanine with threonine. This variant has been reported in individuals with GRIA2-related disorders (PMID: 36329391). This variant has been reported as a de novo occurrence in an affected individual (PMID: 36329391). Also, this variant is rare in population databases. The currently available literature and clinical evidence are not sufficient to establish a definitive association between this variant and the reported condition. Therefore, this variant is classified as a variant of uncertain significance.

Literature cited by the submitters: PubMed 36329391.